The following is an entry in ClinVar:

ClinVar aggregate classification (germline): Uncertain significance. Review status: reviewed by expert panel (3 of 4 stars). 3 submissions from 3 submitters: Uncertain significance (1). 2 of the submissions do not count toward it. Last evaluated 2025-02-25.

Conditions:
DICER1-related tumor predisposition. Also called: DICER1 syndrome; DICER1-related pleuropulmonary blastoma cancer predisposition syndrome. Identifiers: Orphanet 284343, MedGen C3839822, MONDO:0100216.
Hereditary cancer-predisposing syndrome. Also called: Neoplastic Syndromes, Hereditary; Hereditary Cancer Syndrome; Hereditary neoplastic syndrome; Tumor predisposition. Identifiers: Orphanet 140162, MedGen C0027672, MeSH D009386, MONDO:0015356.

Submissions (3):

ClinGen DICER1 and miRNA-Processing Gene Variant Curation Expert Panel, ClinGen
Classification: Uncertain significance for DICER1-related tumor predisposition. Last evaluated: 2025-02-25. Review status: reviewed by expert panel. Criteria: ClinGen DICER1 ACMG Specifications DICER1 V1.3.0. Collection method: curation. Allele origin: germline. Inheritance: Autosomal dominant inheritance.
Comment: The NM_177438.2:c.3161T>C variant in DICER1 is a missense variant predicted to cause substitution of leucine by proline at amino acid 1054 (p.Leu1054Pro). This variant received a total of 1 phenotype point across 1 proband meeting DICER1 VCEP phenotype specificity scoring criteria of 1-1.5 points (PS4_Supporting; Internal Contributors). At least one patient with this variant was found to have a somatic second hit in a recognized DICER1 hotspot codon on tumor sequencing, which is highly specific for DICER1 related tumor predisposition (PP4; Internal Contributors). This variant is absent from gnomAD v4.1.0 (PM2_Supporting). The computational predictor REVEL gives a score of 0.756, which is above the threshold of 0.75, evidence that correlates with impact to DICER1 function (PP3). In summary, this variant meets the criteria to be classified as Uncertain Significance for DICER1 syndrome based on the ACMG/AMP criteria applied, as specified by the ClinGen DICER1 VCEP: PS4_Supporting, PP4, PM2_Supporting, PP3. (Bayesian Points: 4; VCEP specifications version 1.3.0; 02/25/2025).

Ambry Genetics
Classification: Uncertain significance for Hereditary cancer-predisposing syndrome. Last evaluated: 2026-08-03. Review status: criteria provided, single submitter. Criteria: Ambry Variant Classification Scheme 2023. Collection method: clinical testing. Allele origin: germline. Not counted in ClinVar's aggregate classification.
Comment: The p.L1054P variant (also known as c.3161T>C), located in coding exon 19 of the DICER1 gene, results from a T to C substitution at nucleotide position 3161. The leucine at codon 1054 is replaced by proline, an amino acid with similar properties. This amino acid position is conserved. In addition, this alteration is predicted to be deleterious by in silico analysis. Based on the available evidence, the clinical significance of this variant remains unclear.

Labcorp Genetics (formerly Invitae), Labcorp
Classification: Uncertain significance for DICER1-related tumor predisposition. Last evaluated: 2020-03-11. Review status: criteria provided, single submitter. Criteria: Invitae Variant Classification Sherloc (09022015). Collection method: clinical testing. Allele origin: germline. Not counted in ClinVar's aggregate classification.
Comment: In summary, the available evidence is currently insufficient to determine the role of this variant in disease. Therefore, it has been classified as a Variant of Uncertain Significance. Algorithms developed to predict the effect of missense changes on protein structure and function (SIFT, PolyPhen-2, Align-GVGD) all suggest that this variant is likely to be disruptive, but these predictions have not been confirmed by published functional studies and their clinical significance is uncertain. This variant has not been reported in the literature in individuals with DICER1-related conditions. ClinVar contains an entry for this variant (Variation ID: 570456). This variant is not present in population databases (ExAC no frequency). This sequence change replaces leucine with proline at codon 1054 of the DICER1 protein (p.Leu1054Pro). The leucine residue is highly conserved and there is a moderate physicochemical difference between leucine and proline.

NM_177438.3(DICER1):c.3161T>C (p.Leu1054Pro)

Gene: DICER1 (dicer 1, ribonuclease III; minus strand). Cytogenetic location: 14q32.13.
Variant type: single nucleotide variant.
Coding change: c.3161T>C on transcript NM_177438.3 (MANE Select); coding-DNA position 3161, T replaced by C.
Protein change: p.Leu1054Pro; replaces leucine 1054 with proline.
Molecular consequence: missense variant.
Genome position (GRCh38, 1-based): chr14:95,105,179, A>G on the plus strand (T>C on the coding strand, the complement: DICER1 is on the minus strand). VCF-style: chr14-95105179-A-G. GRCh37 (hg19) VCF-style: chr14-95571516-A-G.
Other names: NM_177438.3(DICER1):c.3161T>C; p.Leu1054Pro; c.3161T>C, p.Leu1054Pro (NM_001195573.1, NM_001271282.3, NM_001291628.2 and 1 more transcripts); short protein forms L1054P.
Identifiers: ClinVar variation 570456 (VCV000570456.14), dbSNP rs1566771563, ClinGen allele CA390876705.